The following is an entry in ClinVar:

NM_000747.3(CHRNB1):c.1028C>T (p.Pro343Leu)

Gene: CHRNB1 (cholinergic receptor nicotinic beta 1 subunit; plus strand). Cytogenetic location: 17p13.1.
Variant type: single nucleotide variant.
Coding change: c.1028C>T on transcript NM_000747.3 (MANE Select); coding-DNA position 1028, C replaced by T.
Protein change: p.Pro343Leu; replaces proline 343 with leucine.
Molecular consequence: missense variant.
Genome position (GRCh38, 1-based): chr17:7,454,504, C>T. VCF-style: chr17-7454504-C-T. GRCh37 (hg19) VCF-style: chr17-7357823-C-T.
Other names: short protein forms P343L.
Identifiers: ClinVar variation 1303277 (VCV001303277.2), dbSNP rs2150842464, ClinGen allele CA397798885.

ClinVar aggregate classification (germline): Uncertain significance (1 of 4 stars; one submission).

Submission:

GeneDx
Classification: Uncertain significance. Last evaluated: 2019-07-22. Review status: criteria provided, single submitter. Criteria: GeneDx Variant Classification Process June 2021. Collection method: clinical testing. Allele origin: germline. Affected: yes.
Comment: Not observed in large population cohorts (Lek et al., 2016); In silico analysis, which includes protein predictors and evolutionary conservation, supports a deleterious effect; Has not been previously published as pathogenic or benign to our knowledge